The following is an entry in ClinVar:

NM_001927.4(DES):c.1371+3A>T

Gene: DES (desmin; plus strand). Cytogenetic location: 2q35.
Variant type: single nucleotide variant.
Coding change: c.1371+3A>T on transcript NM_001927.4 (MANE Select); 3 bases into the intron after coding-DNA position 1371, A replaced by T.
Molecular consequence: intron variant.
Genome position (GRCh38, 1-based): chr2:219,425,748, A>T. VCF-style: chr2-219425748-A-T. GRCh37 (hg19) VCF-style: chr2-220290470-A-T.
Other names: c.1371+3A>T (NM_001382712.1); c.1350+3A>T (NM_001382711.1); c.1302+3A>T (NM_001382710.1); c.939+3A>T (NM_001382709.1); c.1368+3A>T (NM_001382708.1); c.1101+3A>T (NM_001382713.1).
Identifiers: ClinVar variation 3749178 (VCV003749178.2).
Genomic context (GRCh38, chr2:219,425,748, plus strand): 5'-TGAGGTCCATACCAAGAAGACGGTGATGATCAAGACCATCGAGACACGGGATGGGGAGGT[A>T]AGTGGTCTGTCTGGGCTCCTTACCCTTGGTGGGGGCTATGGATGTGTCTGGGGGGACTGT-3'

ClinVar aggregate classification (germline): Uncertain significance (1 of 4 stars; one submission).

Conditions:
Desmin-related myofibrillar myopathy (MFM1). Also called: Desminopathy; MYOFIBRILLAR MYOPATHY WITH ARRHYTHMOGENIC RIGHT VENTRICULAR CARDIOMYOPATHY; Myofibrillar myopathy 1; Desmin related myopathy (former name); Desmin storage myopathy (former name); DESMIN-RELATED MYOPATHY WITH ARRHYTHMOGENIC RIGHT VENTRICULAR CARDIOMYOPATHY. Identifiers: Orphanet 363543, Orphanet 98909, MedGen C1832370, MONDO:0011076, OMIM 601419.

Submission:

Labcorp Genetics (formerly Invitae), Labcorp
Classification: Uncertain significance for Desmin-related myofibrillar myopathy. Last evaluated: 2025-04-17. Review status: criteria provided, single submitter. Criteria: Invitae Variant Classification Sherloc (09022015). Collection method: clinical testing. Allele origin: germline.
Comment: This sequence change falls in intron 8 of the DES gene. It does not directly change the encoded amino acid sequence of the DES protein. It affects a nucleotide within the consensus splice site. This variant is not present in population databases (gnomAD no frequency). This variant has not been reported in the literature in individuals affected with DES-related conditions. ClinVar contains an entry for this variant (Variation ID: 3749178). Variants that disrupt the consensus splice site are a relatively common cause of aberrant splicing (PMID: 17576681, 9536098). Algorithms developed to predict the effect of sequence changes on RNA splicing suggest that this variant may disrupt the consensus splice site. In summary, the available evidence is currently insufficient to determine the role of this variant in disease. Therefore, it has been classified as a Variant of Uncertain Significance.

Literature cited by the submitters: PubMed 17576681; PubMed 9536098.